The following is an entry in ClinVar:

ClinVar aggregate classification (germline): Uncertain significance (1 of 4 stars; one submission).

Conditions:
Arrhythmogenic right ventricular dysplasia 13. Also called: Arrhythmogenic right ventricular dysplasia, familial, 13; ARRHYTHMOGENIC RIGHT VENTRICULAR CARDIOMYOPATHY 13. Identifiers: MedGen C3810138, MONDO:0000908, OMIM 615616.

Submission:

Labcorp Genetics (formerly Invitae), Labcorp
Classification: Uncertain significance for Arrhythmogenic right ventricular dysplasia, familial, 13. Last evaluated: 2019-05-22. Review status: criteria provided, single submitter. Criteria: Invitae Variant Classification Sherloc (09022015). Collection method: clinical testing. Allele origin: germline.
Comment: This sequence change is an Alu-mediated insertion in exon 3 of the CTNNA3 mRNA (NM_013266.3:c.248_249insAlu), causing a frameshift at codon 83 (p.Leu83fs). The exact size and sequence of the insertion cannot be determined by the current assay. However, the insertion is expected to result in an absent or disrupted protein product. This variant is not present in population databases (ExAC no frequency). This variant has not been reported in the literature in individuals with CTNNA3-related disease. The current clinical and genetic evidence is not sufficient to establish whether loss-of-function variants in CTNNA3 cause disease. In summary, the available evidence is currently insufficient to determine the role of this variant in disease. Therefore, it has been classified as a Variant of Uncertain Significance.

NC_000010.11:g.67606900_67606901insAlu

Gene: CTNNA3 (catenin alpha 3; minus strand). Cytogenetic location: 10q21.3.
Variant type: Insertion.
Other names: NM_013266.3:c.248_249insAlu.
Identifiers: ClinVar variation 870285 (VCV000870285.2).